The following is an entry in ClinVar:

NM_001164508.2(NEB):c.15602A>G (p.Asp5201Gly)

Gene: NEB (nebulin; minus strand). Cytogenetic location: 2q23.3.
Variant type: single nucleotide variant.
Coding change: c.15602A>G on transcript NM_001164508.2 (MANE Select); coding-DNA position 15602, A replaced by G.
Protein change: p.Asp5201Gly; replaces aspartic acid 5201 with glycine.
Molecular consequence: missense variant. On other transcripts: intron variant (1).
Genome position (GRCh38, 1-based): chr2:151,585,568, T>C on the plus strand (A>G on the coding strand, the complement: NEB is on the minus strand). VCF-style: chr2-151585568-T-C. GRCh37 (hg19) VCF-style: chr2-152442082-T-C.
Other names: c.15602A>G, p.Asp5201Gly (NM_001164507.2, NM_001271208.2); c.11602-9214A>G (NM_004543.5); short protein forms D5201G.
Identifiers: ClinVar variation 383255 (VCV000383255.3), dbSNP rs1057521567, ClinGen allele CA16603865.

ClinVar aggregate classification (germline): Conflicting classifications of pathogenicity. Review status: criteria provided, conflicting classifications (1 of 4 stars). 2 submissions from 2 submitters: Uncertain significance (1); Likely benign (1). Last evaluated 2025-05-21.

Conditions:
NEB-related disorder. Also called: NEB-Related Disorders; NEB-related condition.

Submissions (2):

PreventionGenetics, part of Exact Sciences
Classification: Uncertain significance for NEB-related condition. Last evaluated: 2025-05-21. Review status: criteria provided, single submitter. Criteria: ACMG Guidelines, 2015. Collection method: clinical testing. Allele origin: germline.
Comment: The NEB c.15602A>G variant is predicted to result in the amino acid substitution p.Asp5201Gly. To our knowledge, this variant has not been reported in the literature or in a large population database (gnomAD), indicating this variant is rare. At this time, the clinical significance of this variant is uncertain due to the absence of conclusive functional and genetic evidence.

GeneDx
Classification: Likely benign. Last evaluated: 2018-02-01. Review status: criteria provided, single submitter. Criteria: GeneDx Variant Classification (06012015). Collection method: clinical testing. Allele origin: germline. Affected: yes.
Comment: This variant is considered likely benign or benign based on one or more of the following criteria: it is a conservative change, it occurs at a poorly conserved position in the protein, it is predicted to be benign by multiple in silico algorithms, and/or has population frequency not consistent with disease.